The following is an entry in ClinVar:

ClinVar aggregate classification (germline): Uncertain significance (1 of 4 stars; one submission).

Conditions:
Hereditary breast ovarian cancer syndrome. Also called: Hereditary breast and ovarian cancer; Hereditary breast and ovarian cancer syndrome (HBOC); Breast and ovarian cancer; Hereditary breast and/or ovarian cancer syndrome; BRCA1- and BRCA2-Associated Hereditary Breast and Ovarian Cancer; Hereditary breast and ovarian cancer syndrome. Identifiers: Orphanet 145, MedGen C0677776, MeSH D061325, MONDO:0003582. Disease mechanism: loss of function.

Submissions (2):

Labcorp Genetics (formerly Invitae), Labcorp
Classification: Uncertain significance for Hereditary breast ovarian cancer syndrome. Last evaluated: 2025-03-20. Review status: criteria provided, single submitter. Criteria: Invitae Variant Classification Sherloc (09022015). Collection method: clinical testing. Allele origin: germline.
Comment: This sequence change replaces arginine, which is basic and polar, with tryptophan, which is neutral and slightly polar, at codon 1762 of the BRCA1 protein (p.Arg1762Trp). This variant is not present in population databases (gnomAD no frequency). This variant has not been reported in the literature in individuals affected with BRCA1-related conditions. ClinVar contains an entry for this variant (Variation ID: 867955). Invitae Evidence Modeling incorporating data from in vitro experimental studies (PMID: 30209399) indicates that this missense variant is not expected to disrupt BRCA1 function with a negative predictive value of 95%. In summary, the available evidence is currently insufficient to determine the role of this variant in disease. Therefore, it has been classified as a Variant of Uncertain Significance.

Brotman Baty Institute, University of Washington
No classification provided (evidence only). Condition: Breast-ovarian cancer, familial 1. Review status: no classification provided. Collection method: in vitro. Allele origin: not applicable. Functional consequence: functionally_normal. Not counted in ClinVar's aggregate classification.
ClinVar note: "not provided" was previously submitted as the classification for the variant. However, the classification appeared to be based only on an observation of functional data so it was converted to no classification on 2025-07-30.

Literature cited by the submitters: PubMed 30209399 (cited by Labcorp Genetics (formerly Invitae), Labcorp).

NM_007294.4(BRCA1):c.5284A>T (p.Arg1762Trp)

Gene: BRCA1 (BRCA1 DNA repair associated; minus strand). Cytogenetic location: 17q21.31.
Variant type: single nucleotide variant.
Coding change: c.5284A>T on transcript NM_007294.4 (MANE Select); coding-DNA position 5284, A replaced by T.
Protein change: p.Arg1762Trp; replaces arginine 1762 with tryptophan.
Molecular consequence: missense variant. On other transcripts: non-coding transcript variant (1).
Genome position (GRCh38, 1-based): chr17:43,051,111, T>A on the plus strand (A>T on the coding strand, the complement: BRCA1 is on the minus strand). VCF-style: chr17-43051111-T-A. GRCh37 (hg19) VCF-style: chr17-41203128-T-A.
Other names: c.5071A>T, p.Arg1691Trp (NM_001407571.1, NM_001407894.1, NM_001407895.1 and 12 more transcripts); c.5350A>T, p.Arg1784Trp (NM_001407581.1, NM_001407582.1); c.5347A>T, p.Arg1783Trp (NM_001407583.1, NM_001407585.1, NM_001407587.1 and 1 more transcripts); c.5344A>T, p.Arg1782Trp (NM_001407590.1, NM_001407591.1); c.5284A>T, p.Arg1762Trp (NM_001407593.1, NM_001407594.1, NM_001407596.1 and 6 more transcripts); c.5281A>T, p.Arg1761Trp (NM_001407610.1, NM_001407621.1, NM_001407622.1 and 17 more transcripts); c.5278A>T, p.Arg1760Trp (NM_001407627.1, NM_001407628.1, NM_001407629.1 and 14 more transcripts); c.5275A>T, p.Arg1759Trp (NM_001407644.1, NM_001407645.1); and 72 more; short protein forms R1715W, R658W, R1783W, R1762W, R1634W, R1672W, R1690W, R1692W.
Identifiers: ClinVar variation 867955 (VCV000867955.5), dbSNP rs2051212335, ClinGen allele CA10590976.
Genomic context (GRCh38, chr17:43,051,111, plus strand): 5'-CCAGGCTCTTACCTGTGGGCATGTTGGTGAAGGGCCCATAGCAACAGATTTCTAGCCCCC[T>A]GAAGATCTGGAAGAAGAGAGGAAGAGAGAGGGACAGGGGAATGGAGAGAAGGAAAATCTA-3'
Protein context (NP_009225.1, residues 1752-1772): ARESQDRKIF[Arg1762Trp]GLEICCYGPF